The following is an entry in ClinVar:

NM_004369.4(COL6A3):c.1721G>A (p.Arg574Lys)

Gene: COL6A3 (collagen type VI alpha 3 chain; minus strand). Cytogenetic location: 2q37.3.
Variant type: single nucleotide variant.
Coding change: c.1721G>A on transcript NM_004369.4 (MANE Select); coding-DNA position 1721, G replaced by A.
Protein change: p.Arg574Lys; replaces arginine 574 with lysine.
Molecular consequence: missense variant.
Genome position (GRCh38, 1-based): chr2:237,381,091, C>T on the plus strand (G>A on the coding strand, the complement: COL6A3 is on the minus strand). VCF-style: chr2-237381091-C-T. GRCh37 (hg19) VCF-style: chr2-238289734-C-T.
Other names: c.500G>A, p.Arg167Lys (NM_057164.5, NM_057166.5); c.1103G>A, p.Arg368Lys (NM_057165.5, NM_057167.4); short protein forms R167K, R368K, R574K.
Identifiers: ClinVar variation 4800377 (VCV004800377.1).

ClinVar aggregate classification (germline): Uncertain significance (1 of 4 stars; one submission).

Conditions:
Bethlem myopathy 1A. Also called: MYOPATHY, BENIGN CONGENITAL, WITH CONTRACTURES; Bethlem myopathy 1; Bethlem Muscular Dystrophy. Identifiers: Orphanet 610, MedGen CN029274, MONDO:0024530, OMIM 158810.

Submission:

Labcorp Genetics (formerly Invitae), Labcorp
Classification: Uncertain significance for Bethlem myopathy 1A. Last evaluated: 2025-08-11. Review status: criteria provided, single submitter. Criteria: Invitae Variant Classification Sherloc (09022015). Collection method: clinical testing. Allele origin: germline.
Comment: This sequence change replaces arginine, which is basic and polar, with lysine, which is basic and polar, at codon 574 of the COL6A3 protein (p.Arg574Lys). This variant is not present in population databases (gnomAD no frequency). This variant has not been reported in the literature in individuals affected with COL6A3-related conditions. Invitae Evidence Modeling of protein sequence and biophysical properties (such as structural, functional, and spatial information, amino acid conservation, physicochemical variation, residue mobility, and thermodynamic stability) indicates that this missense variant is not expected to disrupt COL6A3 protein function with a negative predictive value of 95%. In summary, the available evidence is currently insufficient to determine the role of this variant in disease. Therefore, it has been classified as a Variant of Uncertain Significance.